The following is an entry in ClinVar:

ClinVar aggregate classification (germline): Uncertain significance (1 of 4 stars; one submission).

Conditions:
Charcot-Marie-Tooth disease axonal type 2C (HMSN2C). Also called: Charcot-Marie-Tooth Disease Type 2, TRPV4-Related (CMT2C); CHARCOT-MARIE-TOOTH DISEASE, AXONAL, AUTOSOMAL DOMINANT, TYPE 2C; Charcot-Marie-Tooth Neuropathy Type 2C. Identifiers: Orphanet 99937, MedGen C1853710, MONDO:0011633, OMIM 606071.

Submission:

Labcorp Genetics (formerly Invitae), Labcorp
Classification: Uncertain significance for Charcot-Marie-Tooth disease axonal type 2C. Last evaluated: 2024-02-25. Review status: criteria provided, single submitter. Criteria: Invitae Variant Classification Sherloc (09022015). Collection method: clinical testing. Allele origin: germline.
Comment: This sequence change replaces arginine, which is basic and polar, with cysteine, which is neutral and slightly polar, at codon 336 of the TRPV4 protein (p.Arg336Cys). This variant is present in population databases (rs781229110, gnomAD 0.006%). This variant has not been reported in the literature in individuals affected with TRPV4-related conditions. ClinVar contains an entry for this variant (Variation ID: 469033). Advanced modeling of protein sequence and biophysical properties (such as structural, functional, and spatial information, amino acid conservation, physicochemical variation, residue mobility, and thermodynamic stability) performed at Invitae indicates that this missense variant is expected to disrupt TRPV4 protein function with a positive predictive value of 95%. In summary, the available evidence is currently insufficient to determine the role of this variant in disease. Therefore, it has been classified as a Variant of Uncertain Significance.

NM_021625.5(TRPV4):c.1006C>T (p.Arg336Cys)

Gene: TRPV4 (transient receptor potential cation channel subfamily V member 4; minus strand). Cytogenetic location: 12q24.11.
Variant type: single nucleotide variant.
Coding change: c.1006C>T on transcript NM_021625.5 (MANE Select); coding-DNA position 1006, C replaced by T.
Protein change: p.Arg336Cys; replaces arginine 336 with cysteine.
Molecular consequence: missense variant.
Genome position (GRCh38, 1-based): chr12:109,798,760, G>A on the plus strand (C>T on the coding strand, the complement: TRPV4 is on the minus strand). VCF-style: chr12-109798760-G-A. GRCh37 (hg19) VCF-style: chr12-110236565-G-A.
Other names: c.865C>T, p.Arg289Cys (NM_001177428.2, NM_001177433.2); c.904C>T, p.Arg302Cys (NM_001177431.2); c.1006C>T, p.Arg336Cys (NM_147204.3); short protein forms R336C, R289C, R302C.
Identifiers: ClinVar variation 469033 (VCV000469033.8), dbSNP rs781229110, ClinGen allele CA6780370.